The following is an entry in ClinVar:

NM_001127222.2(CACNA1A):c.4144G>T (p.Val1382Phe)

Genes: CACNA1A (calcium voltage-gated channel subunit alpha1 A; minus strand), LOC126862864 (MED14-independent group 3 enhancer GRCh37_chr19:13371552-13372751; plus strand). Cytogenetic location: 19p13.13.
Variant type: single nucleotide variant.
Coding change: c.4144G>T on transcript NM_001127222.2 (MANE Select); coding-DNA position 4144, G replaced by T.
Protein change: p.Val1382Phe; replaces valine 1382 with phenylalanine.
Molecular consequence: missense variant.
Genome position (GRCh38, 1-based): chr19:13,261,556, C>A on the plus strand (G>T on the coding strand, the complement: CACNA1A is on the minus strand). VCF-style: chr19-13261556-C-A. GRCh37 (hg19) VCF-style: chr19-13372370-C-A.
Other names: c.4156G>T, p.Val1386Phe (NM_000068.4, NM_023035.3); c.4147G>T, p.Val1383Phe (NM_001127221.2, NM_001174080.2); c.4147G>T (NM_001127221.1); short protein forms V1386F, V1382F, V1383F.
Identifiers: ClinVar variation 1520580 (VCV001520580.7), dbSNP rs2144767519, ClinGen allele CA404339771.

ClinVar aggregate classification (germline): Uncertain significance. Review status: criteria provided, multiple submitters, no conflicts (2 of 4 stars). 2 submissions from 2 submitters: Uncertain significance (2). Last evaluated 2025-07-20.

Conditions:
Developmental and epileptic encephalopathy, 42 (DEE42A). Also called: Epileptic encephalopathy, early infantile, 42; DEVELOPMENTAL AND EPILEPTIC ENCEPHALOPATHY 42A; EPILEPTIC ENCEPHALOPATHY, EARLY INFANTILE, 42A. Identifiers: MedGen C4310716, MONDO:0014917, OMIM 617106.
Episodic ataxia type 2 (EA2). Also called: ATAXIA, EPISODIC, WITH NYSTAGMUS; ATAXIA, FAMILIAL PAROXYSMAL; CEREBELLAR ATAXIA, PAROXYSMAL, ACETAZOLAMIDE-RESPONSIVE; CEREBELLOPATHY, HEREDITARY PAROXYSMAL; EPISODIC ATAXIA, NYSTAGMUS-ASSOCIATED; ACETAZOLAMIDE-RESPONSIVE HEREDITARY PAROXYSMAL CEREBELLAR ATAXIA. Identifiers: Orphanet 97, MedGen C1720416, MONDO:0007163, OMIM 108500.

Submissions (2):

GeneDx
Classification: Uncertain significance. Last evaluated: 2025-07-20. Review status: criteria provided, single submitter. Criteria: GeneDx Variant Classification Process June 2021. Collection method: clinical testing. Allele origin: germline. Affected: yes.
Comment: Not observed at significant frequency in large population cohorts (gnomAD); In silico analysis supports that this missense variant has a deleterious effect on protein structure/function; Has not been previously published as pathogenic or benign to our knowledge

Labcorp Genetics (formerly Invitae), Labcorp
Classification: Uncertain significance for Developmental and epileptic encephalopathy, 42; Episodic ataxia type 2. Last evaluated: 2021-08-26. Review status: criteria provided, single submitter. Criteria: Invitae Variant Classification Sherloc (09022015). Collection method: clinical testing. Allele origin: germline.
Comment: This sequence change replaces valine with phenylalanine at codon 1383 of the CACNA1A protein (p.Val1383Phe). The valine residue is highly conserved and there is a small physicochemical difference between valine and phenylalanine. This variant is not present in population databases (ExAC no frequency). In summary, the available evidence is currently insufficient to determine the role of this variant in disease. Therefore, it has been classified as a Variant of Uncertain Significance. Advanced modeling of protein sequence and biophysical properties (such as structural, functional, and spatial information, amino acid conservation, physicochemical variation, residue mobility, and thermodynamic stability) performed at Invitae indicates that this missense variant is expected to disrupt CACNA1A protein function. This variant has not been reported in the literature in individuals affected with CACNA1A-related conditions.